The following is an entry in ClinVar:

NM_000059.4(BRCA2):c.6422G>T (p.Gly2141Val)

Gene: BRCA2 (BRCA2 DNA repair associated; plus strand). Cytogenetic location: 13q13.1.
Variant type: single nucleotide variant.
Coding change: c.6422G>T on transcript NM_000059.4 (MANE Select); coding-DNA position 6422, G replaced by T.
Protein change: p.Gly2141Val; replaces glycine 2141 with valine.
Molecular consequence: missense variant.
Genome position (GRCh38, 1-based): chr13:32,340,777, G>T. VCF-style: chr13-32340777-G-T. GRCh37 (hg19) VCF-style: chr13-32914914-G-T.
Other names: short protein forms G2141V.
Identifiers: ClinVar variation 652307 (VCV000652307.16), dbSNP rs756885337, ClinGen allele CA6940951.

ClinVar aggregate classification (germline): Conflicting classifications of pathogenicity. Review status: criteria provided, conflicting classifications (1 of 4 stars). 3 submissions from 3 submitters: Uncertain significance (2); Likely benign (1). Last evaluated 2023-12-04.

Conditions:
Hereditary breast ovarian cancer syndrome. Also called: Breast and ovarian cancer; BRCA1- and BRCA2-Associated Hereditary Breast and Ovarian Cancer; Hereditary breast and ovarian cancer; Hereditary breast and/or ovarian cancer syndrome; Hereditary breast and ovarian cancer syndrome; Hereditary breast and ovarian cancer syndrome (HBOC). Identifiers: Orphanet 145, MedGen C0677776, MeSH D061325, MONDO:0003582. Disease mechanism: loss of function.
Hereditary cancer-predisposing syndrome. Also called: Neoplastic Syndromes, Hereditary; Tumor predisposition; Hereditary Cancer Syndrome; Hereditary neoplastic syndrome. Identifiers: Orphanet 140162, MedGen C0027672, MeSH D009386, MONDO:0015356.

Allele frequency attached by ClinVar (database versions not stated): gnomAD exomes below 0.00001; ExAC 0.00001.
gnomAD v4.1: 1 of 1,594,530 alleles (0.000063%); highest among the groups gnomAD compares: South Asian, 0.0012%; no homozygotes.

Submissions (3):

Color Diagnostics, LLC DBA Color Health
Classification: Uncertain significance for Hereditary cancer-predisposing syndrome. Last evaluated: 2023-12-04. Review status: criteria provided, single submitter. Criteria: ACMG Guidelines, 2015. Collection method: clinical testing. Allele origin: germline.
Comment: This missense variant replaces glycine with valine at codon 2141 of the BRCA2 protein. Computational prediction suggests that this variant may not impact protein structure and function (internally defined REVEL score threshold <= 0.5, PMID: 27666373). To our knowledge, functional studies have not been reported for this variant. This variant has not been reported in individuals affected with BRCA2-related disorders in the literature. This variant has been identified in 1/230018 chromosomes in the general population by the Genome Aggregation Database (gnomAD). The available evidence is insufficient to determine the role of this variant in disease conclusively. Therefore, this variant is classified as a Variant of Uncertain Significance.

University of Washington Department of Laboratory Medicine, University of Washington
Classification: Likely benign for Hereditary cancer-predisposing syndrome. Last evaluated: 2023-03-23. Review status: criteria provided, single submitter. Criteria: Dines et al. (Genet Med. 2020). Collection method: curation. Allele origin: germline.
Comment: Missense variant in a coldspot region where missense variants are very unlikely to be pathogenic (PMID:31911673).

BRCA2 exon 11 coldspot. Reclassification based on statistical prior probability.

Labcorp Genetics (formerly Invitae), Labcorp
Classification: Uncertain significance for Hereditary breast ovarian cancer syndrome. Last evaluated: 2022-03-05. Review status: criteria provided, single submitter. Criteria: Invitae Variant Classification Sherloc (09022015). Collection method: clinical testing. Allele origin: germline.
Comment: Advanced modeling of protein sequence and biophysical properties (such as structural, functional, and spatial information, amino acid conservation, physicochemical variation, residue mobility, and thermodynamic stability) performed at Invitae indicates that this missense variant is not expected to disrupt BRCA2 protein function. In summary, the available evidence is currently insufficient to determine the role of this variant in disease. Therefore, it has been classified as a Variant of Uncertain Significance. ClinVar contains an entry for this variant (Variation ID: 652307). This variant has not been reported in the literature in individuals affected with BRCA2-related conditions. This variant is present in population databases (rs756885337, gnomAD 0.004%). This sequence change replaces glycine, which is neutral and non-polar, with valine, which is neutral and non-polar, at codon 2141 of the BRCA2 protein (p.Gly2141Val).